The following is an entry in ClinVar:

ClinVar aggregate classification (germline): Uncertain significance. Review status: criteria provided, multiple submitters, no conflicts (2 of 4 stars). 2 submissions from 2 submitters: Uncertain significance (2). Last evaluated 2024-08-13.

Conditions:
Hypertrophic cardiomyopathy. Also called: HYPERTROPHIC MYOCARDIOPATHY. Identifiers: Orphanet 217569, MedGen C0007194, MeSH D002312, MONDO:0005045, HP:0001639.
Hypertrophic cardiomyopathy 10. Also called: MYL2-Related Familial Hypertrophic Cardiomyopathy; CARDIOMYOPATHY, HYPERTROPHIC, MID-LEFT VENTRICULAR CHAMBER TYPE, 2. Identifiers: MedGen C1834460, MONDO:0012112, OMIM 608758.

Allele frequency attached by ClinVar (database versions not stated): TOPMed below 0.00001; gnomAD 0.00001; gnomAD exomes 0.00001; ExAC 0.00002.
gnomAD v4.1: 4 of 1,612,194 alleles (0.00025%); highest among the groups gnomAD compares: South Asian, 0.0044%; no homozygotes.

Submissions (2):

All of Us Research Program, National Institutes of Health
Classification: Uncertain significance for Hypertrophic cardiomyopathy. Last evaluated: 2024-08-13. Review status: criteria provided, single submitter. Criteria: ACMG Guidelines, 2015. Collection method: clinical testing. Allele origin: germline. Inheritance: Autosomal dominant inheritance. Observed: 1 variant allele, 1 heterozygote.
Comment: This missense variant replaces valine with phenylalanine at codon 135 of the MYL2 protein. Computational prediction tools indicate that this variant has a neutral impact on protein structure and function. Splice site prediction tools suggest that this variant may have a significant impact on RNA splicing. To our knowledge, functional studies have not been reported for this variant. This variant has not been reported in individuals affected with MYL2-related disorders in the literature. This variant has been identified in 2/248320 chromosomes in the general population by the Genome Aggregation Database (gnomAD). The available evidence is insufficient to determine the role of this variant in disease conclusively. Therefore, this variant is classified as a Variant of Uncertain Significance.

This study involves interpretation of variants in research participants for the purpose of population health screening. Participant phenotype was not available at the time of variant classification. Additional details can be found in publication PMID: 35346344, PMCID: PMC8962531

Labcorp Genetics (formerly Invitae), Labcorp
Classification: Uncertain significance for Hypertrophic cardiomyopathy 10. Last evaluated: 2024-02-23. Review status: criteria provided, single submitter. Criteria: Invitae Variant Classification Sherloc (09022015). Collection method: clinical testing. Allele origin: germline.
Comment: This sequence change replaces valine, which is neutral and non-polar, with phenylalanine, which is neutral and non-polar, at codon 135 of the MYL2 protein (p.Val135Phe). This variant is present in population databases (rs770211004, gnomAD 0.003%). This variant has not been reported in the literature in individuals affected with MYL2-related conditions. ClinVar contains an entry for this variant (Variation ID: 2156350). An algorithm developed to predict the effect of missense changes on protein structure and function (PolyPhen-2) suggests that this variant is likely to be disruptive. Algorithms developed to predict the effect of sequence changes on RNA splicing suggest that this variant may disrupt the consensus splice site. In summary, the available evidence is currently insufficient to determine the role of this variant in disease. Therefore, it has been classified as a Variant of Uncertain Significance.

NM_000432.4(MYL2):c.403G>T (p.Val135Phe)

Gene: MYL2 (myosin light chain 2; minus strand). Cytogenetic location: 12q24.11.
Variant type: single nucleotide variant.
Coding change: c.403G>T on transcript NM_000432.4 (MANE Select); coding-DNA position 403, G replaced by T.
Protein change: p.Val135Phe; replaces valine 135 with phenylalanine.
Molecular consequence: missense variant.
Genome position (GRCh38, 1-based): chr12:110,911,175, C>A on the plus strand (G>T on the coding strand, the complement: MYL2 is on the minus strand). VCF-style: chr12-110911175-C-A. GRCh37 (hg19) VCF-style: chr12-111348979-C-A.
Other names: c.361G>T, p.Val121Phe (NM_001406745.1, NM_001406746.1); c.346G>T, p.Val116Phe (NM_001406916.1); short protein forms V135F, V116F, V121F.
Identifiers: ClinVar variation 2156350 (VCV002156350.5), dbSNP rs770211004, ClinGen allele CA042772.